The following is an entry in ClinVar:

ClinVar aggregate classification (germline): Uncertain significance (1 of 4 stars; one submission).

Conditions:
Perlman syndrome (PRLMNS). Identifiers: Orphanet 2849, MedGen C0796113, MONDO:0009965, OMIM 267000.

Submission:

Labcorp Genetics (formerly Invitae), Labcorp
Classification: Uncertain significance for Perlman syndrome. Last evaluated: 2022-01-11. Review status: criteria provided, single submitter. Criteria: Invitae Variant Classification Sherloc (09022015). Collection method: clinical testing. Allele origin: germline.
Comment: In summary, the available evidence is currently insufficient to determine the role of this variant in disease. Therefore, it has been classified as a Variant of Uncertain Significance. Algorithms developed to predict the effect of missense changes on protein structure and function output the following: SIFT: "Tolerated"; PolyPhen-2: "Not Available"; Align-GVGD: "Class C0". The lysine amino acid residue is found in multiple mammalian species, which suggests that this missense change does not adversely affect protein function. This variant has not been reported in the literature in individuals affected with DIS3L2-related conditions. This variant is not present in population databases (gnomAD no frequency). This sequence change replaces glutamic acid, which is acidic and polar, with lysine, which is basic and polar, at codon 873 of the DIS3L2 protein (p.Glu873Lys).

NM_152383.5(DIS3L2):c.2617G>A (p.Glu873Lys)

Gene: DIS3L2 (DIS3 like 3'-5' exoribonuclease 2; plus strand). Cytogenetic location: 2q37.1.
Variant type: single nucleotide variant.
Coding change: c.2617G>A on transcript NM_152383.5 (MANE Select); coding-DNA position 2617, G replaced by A.
Protein change: p.Glu873Lys; replaces glutamic acid 873 with lysine.
Molecular consequence: missense variant. On other transcripts: non-coding transcript variant (2), intron variant (1).
Genome position (GRCh38, 1-based): chr2:232,336,589, G>A. VCF-style: chr2-232336589-G-A. GRCh37 (hg19) VCF-style: chr2-233201299-G-A.
Other names: c.1582-6756G>A (NM_001257281.2); short protein forms E873K.
Identifiers: ClinVar variation 2184114 (VCV002184114.4), dbSNP rs2469455736, ClinGen allele CA350979078.
Genomic context (GRCh38, chr2:232,336,589, plus strand): 5'-TACAGCGCCATCCTGAAGCGGCCAGGCACCCAGGGCCACCTGGGCCCTGAGAAGGAGGAG[G>A]AGGAGTCTGACGGTGAGCCCGAGGACTCAAGCACCAGCTGAGCTCCACCAGCCGCCTGCC-3'
Protein context (NP_689596.4, residues 863-883): QGHLGPEKEE[Glu873Lys]ESDGEPEDSS